The following is an entry in ClinVar:

NM_001376.5(DYNC1H1):c.5367C>T (p.Leu1789=)

Gene: DYNC1H1 (dynein cytoplasmic 1 heavy chain 1; plus strand). Cytogenetic location: 14q32.31.
Variant type: single nucleotide variant.
Coding change: c.5367C>T on transcript NM_001376.5 (MANE Select); coding-DNA position 5367, C replaced by T.
Protein change: p.Leu1789=; no amino-acid change (leucine 1789 retained).
Molecular consequence: synonymous variant.
Genome position (GRCh38, 1-based): chr14:102,005,170, C>T. VCF-style: chr14-102005170-C-T. GRCh37 (hg19) VCF-style: chr14-102471507-C-T.
Identifiers: ClinVar variation 1087787 (VCV001087787.16), dbSNP rs757894227, ClinGen allele CA7352410.
Genomic context (GRCh38, chr14:102,005,170, plus strand): 5'-GGGCGGAGGTGGAGATGCCGCGCCCTTGCACTCTGTGCTGAGCAATGTGGAGGTCACCCT[C>T]AATGTGTTAGCAGACTCTGTCCTCATGGAGCAGCCCCCACTCCGAAGGCGGAAGCTAGAA-3'
Protein context (NP_001367.2, residues 1779-1799): HSVLSNVEVT[Leu1789=]NVLADSVLME

ClinVar aggregate classification (germline): Likely benign. Review status: criteria provided, multiple submitters, no conflicts (2 of 4 stars). 2 submissions from 2 submitters: Likely benign (2). Last evaluated 2025-03-01.

Conditions:
Charcot-Marie-Tooth disease axonal type 2O. Also called: Charcot-Marie-Tooth Neuropathy Type 2O; Charcot-Marie-Tooth disease, axonal, type 20; CHARCOT-MARIE-TOOTH NEUROPATHY, AXONAL, TYPE 2O; CHARCOT-MARIE-TOOTH DISEASE, AXONAL, AUTOSOMAL DOMINANT, TYPE 2O. Identifiers: Orphanet 284232, MedGen C3280220, MONDO:0013644, OMIM 614228.

Allele frequency attached by ClinVar (database versions not stated): TOPMed below 0.00001; gnomAD 0.00001; gnomAD exomes 0.00003 and 0.00004; ExAC 0.00008.
gnomAD v4.1: 19 of 1,614,100 alleles (0.0012%); highest among the groups gnomAD compares: Non-Finnish European, 0.0014%; no homozygotes.

Submissions (2):

CeGaT Center for Human Genetics Tuebingen
Classification: Likely benign. Last evaluated: 2025-03-01. Review status: criteria provided, single submitter. Criteria: CeGaT Center For Human Genetics Tuebingen Variant Classification Criteria Version 2. Collection method: clinical testing. Allele origin: germline. Affected: yes. Observed: 1 variant allele.
Comment: DYNC1H1: BP4, BP7

Labcorp Genetics (formerly Invitae), Labcorp
Classification: Likely benign for Charcot-Marie-Tooth disease axonal type 2O. Last evaluated: 2023-06-23. Review status: criteria provided, single submitter. Criteria: Invitae Variant Classification Sherloc (09022015). Collection method: clinical testing. Allele origin: germline.